The following is an entry in ClinVar:

NM_013275.6(ANKRD11):c.4373A>G (p.Glu1458Gly)

Gene: ANKRD11 (ankyrin repeat domain 11; minus strand). Cytogenetic location: 16q24.3.
Variant type: single nucleotide variant.
Coding change: c.4373A>G on transcript NM_013275.6 (MANE Select); coding-DNA position 4373, A replaced by G.
Protein change: p.Glu1458Gly; replaces glutamic acid 1458 with glycine.
Molecular consequence: missense variant.
Genome position (GRCh38, 1-based): chr16:89,282,169, T>C on the plus strand (A>G on the coding strand, the complement: ANKRD11 is on the minus strand). VCF-style: chr16-89282169-T-C. GRCh37 (hg19) VCF-style: chr16-89348577-T-C.
Other names: c.4373A>G, p.Glu1458Gly (NM_001256182.2, NM_001256183.2); short protein forms E1458G.
Identifiers: ClinVar variation 1325987 (VCV001325987.5), dbSNP rs2151750232, ClinGen allele CA397157716.

ClinVar aggregate classification (germline): Uncertain significance. Review status: criteria provided, multiple submitters, no conflicts (2 of 4 stars). 2 submissions from 2 submitters: Uncertain significance (2). Last evaluated 2023-11-27.

Conditions:
KBG syndrome (KBGS). Also called: ANKRD11-Related KBG Syndrome. Identifiers: Orphanet 2332, MedGen C0220687, MONDO:0007846, OMIM 148050.

gnomAD v4.1: 4 of 1,614,142 alleles (0.00025%); highest among the groups gnomAD compares: Non-Finnish European, 0.00034%; no homozygotes.

Submissions (2):

Labcorp Genetics (formerly Invitae), Labcorp
Classification: Uncertain significance for KBG syndrome. Last evaluated: 2023-11-27. Review status: criteria provided, single submitter. Criteria: Invitae Variant Classification Sherloc (09022015). Collection method: clinical testing. Allele origin: germline.
Comment: This sequence change replaces glutamic acid, which is acidic and polar, with glycine, which is neutral and non-polar, at codon 1458 of the ANKRD11 protein (p.Glu1458Gly). This variant is not present in population databases (gnomAD no frequency). This variant has not been reported in the literature in individuals affected with ANKRD11-related conditions. ClinVar contains an entry for this variant (Variation ID: 1325987). Advanced modeling of protein sequence and biophysical properties (such as structural, functional, and spatial information, amino acid conservation, physicochemical variation, residue mobility, and thermodynamic stability) performed at Invitae indicates that this missense variant is not expected to disrupt ANKRD11 protein function with a negative predictive value of 95%. In summary, the available evidence is currently insufficient to determine the role of this variant in disease. Therefore, it has been classified as a Variant of Uncertain Significance.

GeneDx
Classification: Uncertain significance. Last evaluated: 2021-05-17. Review status: criteria provided, single submitter. Criteria: GeneDx Variant Classification Process June 2021. Collection method: clinical testing. Allele origin: germline. Affected: yes.
Comment: Not observed in large population cohorts (Lek et al., 2016); In silico analysis supports that this missense variant has a deleterious effect on protein structure/function; Has not been previously published as pathogenic or benign to our knowledge